The following is an entry in ClinVar:

ClinVar aggregate classification (germline): Uncertain significance (1 of 4 stars; one submission).

Submission:

Labcorp Genetics (formerly Invitae), Labcorp
Classification: Uncertain significance. Last evaluated: 2022-11-23. Review status: criteria provided, single submitter. Criteria: Invitae Variant Classification Sherloc (09022015). Collection method: clinical testing. Allele origin: germline.
Comment: In summary, the available evidence is currently insufficient to determine the role of this variant in disease. Therefore, it has been classified as a Variant of Uncertain Significance. Algorithms developed to predict the effect of missense changes on protein structure and function are either unavailable or do not agree on the potential impact of this missense change (SIFT: "Deleterious"; PolyPhen-2: "Benign"; Align-GVGD: "Class C0"). This variant has not been reported in the literature in individuals affected with PDE2A-related conditions. This variant is not present in population databases (gnomAD no frequency). This sequence change replaces histidine, which is basic and polar, with arginine, which is basic and polar, at codon 165 of the PDE2A protein (p.His165Arg).

NM_002599.5(PDE2A):c.494A>G (p.His165Arg)

Gene: PDE2A (phosphodiesterase 2A; minus strand). Cytogenetic location: 11q13.4.
Variant type: single nucleotide variant.
Coding change: c.494A>G on transcript NM_002599.5 (MANE Select); coding-DNA position 494, A replaced by G.
Protein change: p.His165Arg; replaces histidine 165 with arginine.
Molecular consequence: missense variant.
Genome position (GRCh38, 1-based): chr11:72,591,352, T>C on the plus strand (A>G on the coding strand, the complement: PDE2A is on the minus strand). VCF-style: chr11-72591352-T-C. GRCh37 (hg19) VCF-style: chr11-72302396-T-C.
Other names: c.473A>G, p.His158Arg (NM_001143839.4); c.467A>G, p.His156Arg (NM_001146209.3); c.431A>G, p.His144Arg (NM_001243784.2); short protein forms H158R, H156R, H165R, H144R.
Identifiers: ClinVar variation 2814271 (VCV002814271.3), dbSNP rs2496352443, ClinGen allele CA381767011.